The following is an entry in ClinVar:

ClinVar aggregate classification (germline): Uncertain significance (1 of 4 stars; one submission).

Conditions:
Hypertrophic cardiomyopathy 26. Also called: Cardiomyopathy, familial hypertrophic, 26. Identifiers: Orphanet 75249, MedGen C4310749, MONDO:0014883, OMIM 617047.
Myofibrillar myopathy 5. Also called: Filaminopathy (type); FILAMINOPATHY, AUTOSOMAL DOMINANT. Identifiers: Orphanet 171445, MedGen C1836050, MONDO:0012289, OMIM 609524.
Distal myopathy with posterior leg and anterior hand involvement. Also called: WILLIAMS DISTAL MYOPATHY. Identifiers: Orphanet 63273, MedGen C3279722, MONDO:0013550, OMIM 614065.

Submission:

Labcorp Genetics (formerly Invitae), Labcorp
Classification: Uncertain significance for Distal myopathy with posterior leg and anterior hand involvement; Myofibrillar myopathy 5; Hypertrophic cardiomyopathy 26. Last evaluated: 2025-10-24. Review status: criteria provided, single submitter. Criteria: Invitae Variant Classification Sherloc (09022015). Collection method: clinical testing. Allele origin: germline.
Comment: This sequence change creates a premature translational stop signal (p.Cys2660*) in the FLNC gene. While this is not anticipated to result in nonsense mediated decay, it is expected to disrupt the last 66 amino acid(s) of the FLNC protein. This variant is not present in population databases (gnomAD no frequency). This variant has not been reported in the literature in individuals affected with FLNC-related conditions. ClinVar contains an entry for this variant (Variation ID: 1451562). In summary, the available evidence is currently insufficient to determine the role of this variant in disease. Therefore, it has been classified as a Variant of Uncertain Significance.

NM_001458.5(FLNC):c.7980C>A (p.Cys2660Ter)

Genes: FLNC-AS1 (FLNC antisense RNA 1; minus strand), FLNC (filamin C; plus strand). Cytogenetic location: 7q32.1.
Variant type: single nucleotide variant.
Coding change: c.7980C>A on transcript NM_001458.5 (MANE Select); coding-DNA position 7980, C replaced by A.
Protein change: p.Cys2660Ter; replaces cysteine 2660 with a stop codon.
Molecular consequence: nonsense.
Genome position (GRCh38, 1-based): chr7:128,858,207, C>A. VCF-style: chr7-128858207-C-A. GRCh37 (hg19) VCF-style: chr7-128498261-C-A.
Other names: c.7881C>A, p.Cys2627Ter (NM_001127487.2); short protein forms C2627*, C2660*.
Identifiers: ClinVar variation 1451562 (VCV001451562.8), dbSNP rs2128940614, ClinGen allele CA369220797.